The following is an entry in ClinVar:

NM_198578.4(LRRK2):c.6851G>A (p.Gly2284Glu)

Gene: LRRK2 (leucine rich repeat kinase 2; plus strand). Cytogenetic location: 12q12.
Variant type: single nucleotide variant.
Coding change: c.6851G>A on transcript NM_198578.4 (MANE Select); coding-DNA position 6851, G replaced by A.
Protein change: p.Gly2284Glu; replaces glycine 2284 with glutamic acid.
Molecular consequence: missense variant.
Genome position (GRCh38, 1-based): chr12:40,359,267, G>A. VCF-style: chr12-40359267-G-A. GRCh37 (hg19) VCF-style: chr12-40753069-G-A.
Other names: short protein forms G2284E.
Identifiers: ClinVar variation 3229761 (VCV003229761.1), dbSNP rs2500011838, ClinGen allele CA384411274.
Genomic context (GRCh38, chr12:40,359,267, plus strand): 5'-TGTTCTGTGGATACTCAATTTGCTGAGTGTGTTTTCTTTTTTTTTTGGCAAAGCTTAAAG[G>A]AGCTGCTCCTTTGAAGATACTAAATATAGGAAATGTCAGTACTCCATTGATGTGTTTGAG-3'
Protein context (NP_940980.4, residues 2274-2294): IFEDKTVKLK[Gly2284Glu]AAPLKILNIG

ClinVar aggregate classification (germline): Uncertain significance (1 of 4 stars; one submission).

Conditions:
Inborn genetic diseases. Identifiers: MedGen C0950123, MeSH D030342.

Submission:

Ambry Genetics
Classification: Uncertain significance for Inborn genetic diseases. Last evaluated: 2023-12-21. Review status: criteria provided, single submitter. Criteria: Ambry Variant Classification Scheme 2023. Collection method: clinical testing. Allele origin: germline.
Comment: The p.G2284E variant (also known as c.6851G>A), located in coding exon 47 of the LRRK2 gene, results from a G to A substitution at nucleotide position 6851. The glycine at codon 2284 is replaced by glutamic acid, an amino acid with similar properties. This amino acid position is conserved. In addition, the in silico prediction for this alteration is inconclusive. Since supporting evidence is limited at this time, the clinical significance of this alteration remains unclear.